The following is an entry in ClinVar:

ClinVar aggregate classification (germline): Uncertain significance (1 of 4 stars; one submission).

Submission:

Labcorp Genetics (formerly Invitae), Labcorp
Classification: Uncertain significance. Last evaluated: 2022-07-25. Review status: criteria provided, single submitter. Criteria: Invitae Variant Classification Sherloc (09022015). Collection method: clinical testing. Allele origin: germline.
Comment: This sequence change replaces lysine, which is basic and polar, with glutamine, which is neutral and polar, at codon 282 of the P2RX2 protein (p.Lys282Gln). This variant is not present in population databases (gnomAD no frequency). This variant has not been reported in the literature in individuals affected with P2RX2-related conditions. ClinVar contains an entry for this variant (Variation ID: 1493144). Algorithms developed to predict the effect of missense changes on protein structure and function (SIFT, PolyPhen-2, Align-GVGD) all suggest that this variant is likely to be tolerated. In summary, the available evidence is currently insufficient to determine the role of this variant in disease. Therefore, it has been classified as a Variant of Uncertain Significance.

NM_170682.4(P2RX2):c.844A>C (p.Lys282Gln)

Gene: P2RX2 (purinergic receptor P2X 2; plus strand). Cytogenetic location: 12q24.33.
Variant type: single nucleotide variant.
Coding change: c.844A>C on transcript NM_170682.4 (MANE Select); coding-DNA position 844, A replaced by C.
Protein change: p.Lys282Gln; replaces lysine 282 with glutamine.
Molecular consequence: missense variant.
Genome position (GRCh38, 1-based): chr12:132,621,070, A>C. VCF-style: chr12-132621070-A-C. GRCh37 (hg19) VCF-style: chr12-133197656-A-C.
Other names: c.742A>C, p.Lys248Gln (NM_001282164.2); c.844A>C, p.Lys282Gln (NM_001282165.2, NM_170683.4, NM_174873.3); c.628A>C, p.Lys210Gln (NM_012226.5); c.772A>C, p.Lys258Gln (NM_016318.4); c.568A>C, p.Lys190Gln (NM_174872.3); short protein forms K258Q, K190Q, K210Q, K282Q, K248Q.
Identifiers: ClinVar variation 1493144 (VCV001493144.6), dbSNP rs2138385900, ClinGen allele CA387361101.